The following is an entry in ClinVar:

NM_001363711.2(DUOX2):c.3209C>T (p.Ser1070Leu)

Gene: DUOX2 (dual oxidase 2; minus strand). Cytogenetic location: 15q21.1.
Variant type: single nucleotide variant.
Coding change: c.3209C>T on transcript NM_001363711.2 (MANE Select); coding-DNA position 3209, C replaced by T.
Protein change: p.Ser1070Leu; replaces serine 1070 with leucine.
Molecular consequence: missense variant.
Genome position (GRCh38, 1-based): chr15:45,099,868, G>A on the plus strand (C>T on the coding strand, the complement: DUOX2 is on the minus strand). VCF-style: chr15-45099868-G-A. GRCh37 (hg19) VCF-style: chr15-45392066-G-A.
Other names: c.3209C>T, p.Ser1070Leu (NM_014080.5); short protein forms S1070L.
Identifiers: ClinVar variation 1980103 (VCV001980103.4), dbSNP rs1001164227, ClinGen allele CA270122805.

ClinVar aggregate classification (germline): Uncertain significance. Review status: criteria provided, multiple submitters, no conflicts (2 of 4 stars). 2 submissions from 2 submitters: Uncertain significance (2). Last evaluated 2025-02-02.

Conditions:
Inborn genetic diseases. Identifiers: MedGen C0950123, MeSH D030342.

Allele frequency attached by ClinVar (database versions not stated): TOPMed 0.00001; gnomAD 0.00002.
gnomAD v4.1: 25 of 1,614,004 alleles (0.0015%); highest among the groups gnomAD compares: South Asian, 0.012%; 1 homozygote.

Submissions (2):

Labcorp Genetics (formerly Invitae), Labcorp
Classification: Uncertain significance. Last evaluated: 2025-02-02. Review status: criteria provided, single submitter. Criteria: Invitae Variant Classification Sherloc (09022015). Collection method: clinical testing. Allele origin: germline.
Comment: This sequence change replaces serine, which is neutral and polar, with leucine, which is neutral and non-polar, at codon 1070 of the DUOX2 protein (p.Ser1070Leu). The frequency data for this variant in the population databases is considered unreliable, as metrics indicate poor data quality at this position in the gnomAD database. This variant has not been reported in the literature in individuals affected with DUOX2-related conditions. ClinVar contains an entry for this variant (Variation ID: 1980103). Invitae Evidence Modeling of protein sequence and biophysical properties (such as structural, functional, and spatial information, amino acid conservation, physicochemical variation, residue mobility, and thermodynamic stability) indicates that this missense variant is not expected to disrupt DUOX2 protein function with a negative predictive value of 80%. In summary, the available evidence is currently insufficient to determine the role of this variant in disease. Therefore, it has been classified as a Variant of Uncertain Significance.

Ambry Genetics
Classification: Uncertain significance for Inborn genetic diseases. Last evaluated: 2024-12-07. Review status: criteria provided, single submitter. Criteria: Ambry Variant Classification Scheme 2023. Collection method: clinical testing. Allele origin: germline.